The following is an entry in ClinVar:

NM_177438.3(DICER1):c.1203T>A (p.Tyr401Ter)

Gene: DICER1 (dicer 1, ribonuclease III; minus strand). Cytogenetic location: 14q32.13.
Variant type: single nucleotide variant.
Coding change: c.1203T>A on transcript NM_177438.3 (MANE Select); coding-DNA position 1203, T replaced by A.
Protein change: p.Tyr401Ter; replaces tyrosine 401 with a stop codon.
Molecular consequence: nonsense. On other transcripts: 5 prime UTR variant (1), non-coding transcript variant (6).
Genome position (GRCh38, 1-based): chr14:95,124,369, A>T on the plus strand (T>A on the coding strand, the complement: DICER1 is on the minus strand). VCF-style: chr14-95124369-A-T. GRCh37 (hg19) VCF-style: chr14-95590706-A-T.
Other names: c.1203T>A, p.Tyr401Ter (NM_001395683.1, NM_001395684.1, NM_001395692.1 and 14 more transcripts); c.921T>A, p.Tyr307Ter (NM_001395686.1); c.798T>A, p.Tyr266Ter (NM_001395687.1, NM_001395688.1, NM_001395689.1 and 3 more transcripts); c.636T>A, p.Tyr212Ter (NM_001395691.1); c.-366T>A (NM_001395697.1); short protein forms Y212*, Y266*, Y307*, Y401*.
Identifiers: ClinVar variation 3617211 (VCV003617211.2).
Genomic context (GRCh38, chr14:95,124,369, plus strand): 5'-ATCCTCATCATCATCCTCAGAATCACTCCATGACACATAATTATCCTGATTTCTATTATT[A>T]TACCACTCAACGCTTTCAAACTGCTGTCGCTCATATGGTTTATATTTGCGTAAGATTTCG-3'

ClinVar aggregate classification (germline): Pathogenic (1 of 4 stars; one submission).

Conditions:
DICER1-related tumor predisposition. Also called: DICER1 syndrome; DICER1-related pleuropulmonary blastoma cancer predisposition syndrome. Identifiers: Orphanet 284343, MedGen C3839822, MONDO:0100216.

Submission:

Labcorp Genetics (formerly Invitae), Labcorp
Classification: Pathogenic for DICER1-related tumor predisposition. Last evaluated: 2024-10-20. Review status: criteria provided, single submitter. Criteria: Invitae Variant Classification Sherloc (09022015). Collection method: clinical testing. Allele origin: germline.
Comment: This sequence change creates a premature translational stop signal (p.Tyr401*) in the DICER1 gene. It is expected to result in an absent or disrupted protein product. Loss-of-function variants in DICER1 are known to be pathogenic (PMID: 19556464, 21266384). This variant is not present in population databases (gnomAD no frequency). This premature translational stop signal has been observed in individual(s) with pleuropulmonary blastoma (PMID: 26925222). For these reasons, this variant has been classified as Pathogenic.

Literature cited by the submitters: PubMed 19556464; PubMed 21266384; PubMed 26925222.